The following is an entry in ClinVar:

ClinVar aggregate classification (germline): Uncertain significance (1 of 4 stars; one submission).

Conditions:
Werner syndrome (WRN). Identifiers: Orphanet 902, MedGen C0043119, MONDO:0010196, OMIM 277700.

Submission:

Labcorp Genetics (formerly Invitae), Labcorp
Classification: Uncertain significance for Werner syndrome. Last evaluated: 2022-11-01. Review status: criteria provided, single submitter. Criteria: Invitae Variant Classification Sherloc (09022015). Collection method: clinical testing. Allele origin: germline.
Comment: This sequence change replaces alanine, which is neutral and non-polar, with threonine, which is neutral and polar, at codon 704 of the WRN protein (p.Ala704Thr). This variant is not present in population databases (gnomAD no frequency). This variant has not been reported in the literature in individuals affected with WRN-related conditions. ClinVar contains an entry for this variant (Variation ID: 1055123). Algorithms developed to predict the effect of missense changes on protein structure and function are either unavailable or do not agree on the potential impact of this missense change (SIFT: "Not Available"; PolyPhen-2: "Probably Damaging"; Align-GVGD: "Not Available"). In summary, the available evidence is currently insufficient to determine the role of this variant in disease. Therefore, it has been classified as a Variant of Uncertain Significance.

NM_000553.6(WRN):c.2110G>A (p.Ala704Thr)

Gene: WRN (WRN RecQ like helicase; plus strand). Cytogenetic location: 8p12.
Variant type: single nucleotide variant.
Coding change: c.2110G>A on transcript NM_000553.6 (MANE Select); coding-DNA position 2110, G replaced by A.
Protein change: p.Ala704Thr; replaces alanine 704 with threonine.
Molecular consequence: missense variant.
Genome position (GRCh38, 1-based): chr8:31,111,636, G>A. VCF-style: chr8-31111636-G-A. GRCh37 (hg19) VCF-style: chr8-30969152-G-A.
Other names: short protein forms A704T.
Identifiers: ClinVar variation 1055123 (VCV001055123.5), dbSNP rs1801319325, ClinGen allele CA370912421.
Genomic context (GRCh38, chr8:31,111,636, plus strand): 5'-GCTCTTTCCTTTTTAAAATATCAGTTTTACATCATTCAGGTTCCAATCGTTGCACTTACT[G>A]CTACTGCAAGTTCTTCAATCCGGGAAGACATTGTACGTTGCTTAAATCTGAGAAATCCTC-3'
Protein context (NP_000544.2, residues 694-714): LPMVPIVALT[Ala704Thr]TASSSIREDI